The following is an entry in ClinVar:

NM_004130.4(GYG1):c.896C>T (p.Ala299Val)

Gene: GYG1 (glycogenin 1; plus strand). Cytogenetic location: 3q24.
Variant type: single nucleotide variant.
Coding change: c.896C>T on transcript NM_004130.4 (MANE Select); coding-DNA position 896, C replaced by T.
Protein change: p.Ala299Val; replaces alanine 299 with valine.
Molecular consequence: missense variant.
Genome position (GRCh38, 1-based): chr3:149,026,776, C>T. VCF-style: chr3-149026776-C-T. GRCh37 (hg19) VCF-style: chr3-148744563-C-T.
Other names: c.845C>T, p.Ala282Val (NM_001184720.2); c.625C>T, p.Pro209Ser (NM_001184721.2); short protein forms A282V, P209S, A299V.
Identifiers: ClinVar variation 2041802 (VCV002041802.3), dbSNP rs757519500, ClinGen allele CA2658708.

ClinVar aggregate classification (germline): Uncertain significance (1 of 4 stars; one submission).

Conditions:
Glycogen storage disease XV (GSD15). Also called: GLYCOGENIN DEFICIENCY; GSD XV. Identifiers: Orphanet 263297, MedGen C3150754, MONDO:0013291, OMIM 613507.
Polyglucosan body myopathy type 2. Identifiers: Orphanet 456369, MedGen C4015452, MONDO:0014526, OMIM 616199.

Allele frequency attached by ClinVar (database versions not stated): gnomAD exomes 0.00001; ExAC 0.00002; gnomAD 0.00003; TOPMed 0.00004.

Submission:

Labcorp Genetics (formerly Invitae), Labcorp
Classification: Uncertain significance for Polyglucosan body myopathy type 2; Glycogen storage disease XV. Last evaluated: 2022-04-04. Review status: criteria provided, single submitter. Criteria: Invitae Variant Classification Sherloc (09022015). Collection method: clinical testing. Allele origin: germline.
Comment: This variant has not been reported in the literature in individuals affected with GYG1-related conditions. This variant is present in population databases (rs757519500, gnomAD 0.02%). This sequence change replaces alanine, which is neutral and non-polar, with valine, which is neutral and non-polar, at codon 299 of the GYG1 protein (p.Ala299Val). Algorithms developed to predict the effect of missense changes on protein structure and function are either unavailable or do not agree on the potential impact of this missense change (SIFT: "Deleterious"; PolyPhen-2: "Possibly Damaging"; Align-GVGD: "Class C0"). In summary, the available evidence is currently insufficient to determine the role of this variant in disease. Therefore, it has been classified as a Variant of Uncertain Significance.